The following is an entry in ClinVar:

NM_001042492.3(NF1):c.2105C>T (p.Ala702Val)

Gene: NF1 (neurofibromin 1; plus strand). Cytogenetic location: 17q11.2.
Variant type: single nucleotide variant.
Coding change: c.2105C>T on transcript NM_001042492.3 (MANE Select); coding-DNA position 2105, C replaced by T.
Protein change: p.Ala702Val; replaces alanine 702 with valine.
Molecular consequence: missense variant.
Genome position (GRCh38, 1-based): chr17:31,226,538, C>T. VCF-style: chr17-31226538-C-T. GRCh37 (hg19) VCF-style: chr17-29553556-C-T.
Other names: c.2105C>T, p.Ala702Val (NM_000267.4); short protein forms A702V.
Identifiers: ClinVar variation 959614 (VCV000959614.6), dbSNP rs2067017751, ClinGen allele CA398982271.

ClinVar aggregate classification (germline): Uncertain significance (1 of 4 stars; one submission).

Conditions:
Neurofibromatosis, type 1 (NF1). Also called: Peripheral type neurofibromatosis; VON RECKLINGHAUSEN DISEASE; NEUROFIBROMATOSIS, TYPE I, SOMATIC; Neurofibromatosis, type I. Identifiers: Orphanet 636, MedGen C0027831, MONDO:0018975, OMIM 162200. Disease mechanism: loss of function.

Submission:

Labcorp Genetics (formerly Invitae), Labcorp
Classification: Uncertain significance for Neurofibromatosis, type 1. Last evaluated: 2022-01-28. Review status: criteria provided, single submitter. Criteria: Invitae Variant Classification Sherloc (09022015). Collection method: clinical testing. Allele origin: germline.
Comment: Advanced modeling of protein sequence and biophysical properties (such as structural, functional, and spatial information, amino acid conservation, physicochemical variation, residue mobility, and thermodynamic stability) performed at Invitae indicates that this missense variant is not expected to disrupt NF1 protein function. In summary, the available evidence is currently insufficient to determine the role of this variant in disease. Therefore, it has been classified as a Variant of Uncertain Significance. ClinVar contains an entry for this variant (Variation ID: 959614). This variant has not been reported in the literature in individuals affected with NF1-related conditions. This variant is not present in population databases (gnomAD no frequency). This sequence change replaces alanine, which is neutral and non-polar, with valine, which is neutral and non-polar, at codon 702 of the NF1 protein (p.Ala702Val).